The following is an entry in ClinVar:

NM_058216.3(RAD51C):c.491_492del (p.Phe164fs)

Gene: RAD51C (RAD51 paralog C; plus strand). Cytogenetic location: 17q22.
Variant type: Deletion.
Coding change: c.491_492del on transcript NM_058216.3 (MANE Select); coding-DNA positions 491 to 492, 2 bases deleted (TT; older notation c.491_492delTT).
Protein change: p.Phe164fs; shifts the reading frame from phenylalanine 164.
Molecular consequence: frameshift variant.
Genome position (GRCh38, 1-based): chr17:58,696,779-58,696,780, TT deleted; deleting any 2 consecutive bases within chr17:58,696,777-58,696,780 gives the same sequence; the c. name uses the placement nearest the transcript's 3' end. VCF-style (leftmost placement, unchanged base first): chr17-58696776-GTT-G. GRCh37 (hg19) VCF-style: chr17-56774137-GTT-G.
Other names: short protein forms F164fs.
Identifiers: ClinVar variation 1417564 (VCV001417564.6), dbSNP rs2143746939, ClinGen allele CA2573154418.

ClinVar aggregate classification (germline): Pathogenic (1 of 4 stars; one submission).

Conditions:
Fanconi anemia complementation group O. Also called: RAD51C-Related Fanconi Anemia. Identifiers: Orphanet 84, MedGen C3150653, MONDO:0013248, OMIM 613390.

Submission:

Labcorp Genetics (formerly Invitae), Labcorp
Classification: Pathogenic for Fanconi anemia complementation group O. Last evaluated: 2022-08-23. Review status: criteria provided, single submitter. Criteria: Invitae Variant Classification Sherloc (09022015). Collection method: clinical testing. Allele origin: germline.
Comment: For these reasons, this variant has been classified as Pathogenic. This variant has not been reported in the literature in individuals affected with RAD51C-related conditions. ClinVar contains an entry for this variant (Variation ID: 1417564). This variant is not present in population databases (gnomAD no frequency). This sequence change creates a premature translational stop signal (p.Phe164Tyrfs*3) in the RAD51C gene. It is expected to result in an absent or disrupted protein product. Loss-of-function variants in RAD51C are known to be pathogenic (PMID: 20400964, 21990120, 24800917).

Literature cited by the submitters: PubMed 20400964; PubMed 21990120; PubMed 24800917.